The following is an entry in ClinVar:

ClinVar aggregate classification (germline): Uncertain significance. Review status: criteria provided, multiple submitters, no conflicts (2 of 4 stars). 2 submissions from 2 submitters: Uncertain significance (2). Last evaluated 2025-04-01.

Conditions:
Inborn genetic diseases. Identifiers: MedGen C0950123, MeSH D030342.

Allele frequency attached by ClinVar (database versions not stated): gnomAD exomes below 0.00001 and 0.00001; TOPMed below 0.00001; gnomAD 0.00001.

Submissions (2):

Ambry Genetics
Classification: Uncertain significance for Inborn genetic diseases. Last evaluated: 2025-04-01. Review status: criteria provided, single submitter. Criteria: Ambry Variant Classification Scheme 2023. Collection method: clinical testing. Allele origin: germline.

Labcorp Genetics (formerly Invitae), Labcorp
Classification: Uncertain significance. Last evaluated: 2025-01-27. Review status: criteria provided, single submitter. Criteria: Invitae Variant Classification Sherloc (09022015). Collection method: clinical testing. Allele origin: germline.
Comment: This sequence change replaces histidine, which is basic and polar, with tyrosine, which is neutral and polar, at codon 392 of the KCNJ6 protein (p.His392Tyr). This variant is present in population databases (no rsID available, gnomAD 0.0009%). This variant has not been reported in the literature in individuals affected with KCNJ6-related conditions. ClinVar contains an entry for this variant (Variation ID: 1463316). An algorithm developed to predict the effect of missense changes on protein structure and function (PolyPhen-2) suggests that this variant is likely to be tolerated. In summary, the available evidence is currently insufficient to determine the role of this variant in disease. Therefore, it has been classified as a Variant of Uncertain Significance.

NM_002240.5(KCNJ6):c.1174C>T (p.His392Tyr)

Genes: KCNJ6 (potassium inwardly rectifying channel subfamily J member 6; minus strand), KCNJ6-AS1 (KCNJ6 antisense RNA 1; plus strand). Cytogenetic location: 21q22.13.
Variant type: single nucleotide variant.
Coding change: c.1174C>T on transcript NM_002240.5 (MANE Select); coding-DNA position 1174, C replaced by T.
Protein change: p.His392Tyr; replaces histidine 392 with tyrosine.
Molecular consequence: missense variant.
Genome position (GRCh38, 1-based): chr21:37,625,257, G>A on the plus strand (C>T on the coding strand, the complement: KCNJ6 is on the minus strand). VCF-style: chr21-37625257-G-A. GRCh37 (hg19) VCF-style: chr21-38997559-G-A.
Other names: c.1174C>T (NM_002240.2); short protein forms H392Y.
Identifiers: ClinVar variation 1463316 (VCV001463316.9), dbSNP rs1198864804, ClinGen allele CA409967070.